The following is an entry in ClinVar:

NM_001844.5(COL2A1):c.292+258del

Gene: COL2A1 (collagen type II alpha 1 chain; minus strand). Cytogenetic location: 12q13.11.
Variant type: Deletion.
Coding change: c.292+258del on transcript NM_001844.5 (MANE Select); 258 bases into the intron after coding-DNA position 292, one base deleted (G; older notation c.292+258delG).
Molecular consequence: intron variant.
Genome position (GRCh38, 1-based): chr12:47,999,661, C deleted on the plus strand (G on the coding strand, the reverse complement: COL2A1 is on the minus strand). VCF-style (leftmost placement, unchanged base first): chr12-47999660-TC-T. GRCh37 (hg19) VCF-style: chr12-48393443-TC-T.
Other names: c.86-1230del (NM_033150.3).
Identifiers: ClinVar variation 672384 (VCV000672384.1), dbSNP rs371739976, ClinGen allele CA236494722.

ClinVar aggregate classification (germline): Benign (1 of 4 stars; one submission).

Submission:

GeneDx
Classification: Benign. Last evaluated: 2018-06-14. Review status: criteria provided, single submitter. Criteria: GeneDx Variant Classification (06012015). Collection method: clinical testing. Allele origin: germline. Affected: yes.
Comment: This variant is considered likely benign or benign based on one or more of the following criteria: it is a conservative change, it occurs at a poorly conserved position in the protein, it is predicted to be benign by multiple in silico algorithms, and/or has population frequency not consistent with disease.